The following is an entry in ClinVar:

NM_003383.5(VLDLR):c.263G>A (p.Arg88Gln)

Gene: VLDLR (very low density lipoprotein receptor; plus strand). Cytogenetic location: 9p24.2.
Variant type: single nucleotide variant.
Coding change: c.263G>A on transcript NM_003383.5 (MANE Select); coding-DNA position 263, G replaced by A.
Protein change: p.Arg88Gln; replaces arginine 88 with glutamine.
Molecular consequence: missense variant.
Genome position (GRCh38, 1-based): chr9:2,639,919, G>A. VCF-style: chr9-2639919-G-A. GRCh37 (hg19) VCF-style: chr9-2639919-G-A.
Other names: c.263G>A, p.Arg88Gln (NM_001018056.3, NM_001322225.2, NM_001322226.2); short protein forms R88Q.
Identifiers: ClinVar variation 1878564 (VCV001878564.1), dbSNP rs557461624, ClinGen allele CA4964475.
Genomic context (GRCh38, chr9:2,639,919, plus strand): 5'-TAAAGAAGACGTGTGCTGAATCTGACTTCGTGTGCAACAATGGCCAGTGTGTTCCCAGCC[G>A]ATGGAAGTGTGATGGAGATCCTGACTGCGAAGATGGTTCAGATGAAAGCCCAGAACAGTG-3'
Protein context (NP_003374.3, residues 78-98): VCNNGQCVPS[Arg88Gln]WKCDGDPDCE

ClinVar aggregate classification (germline): Uncertain significance (1 of 4 stars; one submission).

Conditions:
Cerebellar ataxia, impaired intellectual development, and dysequilibrium syndrome 1. Also called: Cerebellar ataxia, mental retardation, and dysequilibrium syndrome 1; VLDLR Cerebellar Hypoplasia; CEREBELLAR ATAXIA AND MENTAL RETARDATION WITH OR WITHOUT QUADRUPEDAL LOCOMOTION 1; CEREBELLAR ATAXIA, CONGENITAL, AND MENTAL RETARDATION, AUTOSOMAL RECESSIVE; Cerebellar hypoplasia and mental retardation with or without quadrupedal locomotion 1; Cerebellar ataxia, intellectual disability, and dysequilibrium syndrome 1. Identifiers: Orphanet 1766, MedGen C4551552, MONDO:0024542, OMIM 224050.

Allele frequency attached by ClinVar (database versions not stated): 1000 Genomes Project 30x 0.00016; ExAC 0.00007; gnomAD 0.00003; 1000 Genomes Project 0.00020; TOPMed 0.00004.

Submission:

Neuberg Centre For Genomic Medicine, NCGM
Classification: Uncertain significance for Cerebellar ataxia, impaired intellectual development, and dysequilibrium syndrome 1. Review status: criteria provided, single submitter. Criteria: ACMG Guidelines, 2015. Collection method: clinical testing. Allele origin: germline. Affected: yes.
Comment: The amino acid Arg at position 88 is changed to a Gln changing protein sequence and it might alter its composition and physico-chemical properties. This variant has not been reported in affected indviduals. The variant is predicted to be damaging by both SIFT and PolyPhen2. The residue is conserved across species. The amino acid change p.Arg88Gln in VLDLR is predicted as conserved by GERP++ and PhyloP across 100 vertebrates. This variant is classified as uncertain significance as per ACMG guidelines .